The following is an entry in ClinVar:

NM_025099.6(CTC1):c.3023C>G (p.Pro1008Arg)

Gene: CTC1 (CST telomere replication complex component 1; minus strand). Cytogenetic location: 17p13.1.
Variant type: single nucleotide variant.
Coding change: c.3023C>G on transcript NM_025099.6 (MANE Select); coding-DNA position 3023, C replaced by G.
Protein change: p.Pro1008Arg; replaces proline 1008 with arginine.
Molecular consequence: missense variant. On other transcripts: non-coding transcript variant (1).
Genome position (GRCh38, 1-based): chr17:8,229,435, G>C on the plus strand (C>G on the coding strand, the complement: CTC1 is on the minus strand). VCF-style: chr17-8229435-G-C. GRCh37 (hg19) VCF-style: chr17-8132753-G-C.
Other names: c.3023C>G, p.Pro1008Arg (NM_001411067.1); short protein forms P1008R.
Identifiers: ClinVar variation 1917925 (VCV001917925.2), dbSNP rs374877171, ClinGen allele CA287530382.

ClinVar aggregate classification (germline): Uncertain significance (1 of 4 stars; one submission).

Conditions:
Dyskeratosis congenita. Identifiers: Orphanet 1775, MedGen C0265965, MONDO:0015780.

Allele frequency attached by ClinVar (database versions not stated): gnomAD exomes below 0.00001; gnomAD 0.00001; ESP Exome Variant Server 0.00008; TOPMed 0.00008.
gnomAD v4.1: 15 of 1,612,992 alleles (0.00093%); highest among the groups gnomAD compares: Non-Finnish European, 0.00042%; no homozygotes.

Submission:

Labcorp Genetics (formerly Invitae), Labcorp
Classification: Uncertain significance for Dyskeratosis congenita. Last evaluated: 2022-10-04. Review status: criteria provided, single submitter. Criteria: Invitae Variant Classification Sherloc (09022015). Collection method: clinical testing. Allele origin: germline.
Comment: This sequence change replaces proline, which is neutral and non-polar, with arginine, which is basic and polar, at codon 1008 of the CTC1 protein (p.Pro1008Arg). The frequency data for this variant in the population databases is considered unreliable, as metrics indicate poor data quality at this position in the gnomAD database. This variant has not been reported in the literature in individuals affected with CTC1-related conditions. Advanced modeling of protein sequence and biophysical properties (such as structural, functional, and spatial information, amino acid conservation, physicochemical variation, residue mobility, and thermodynamic stability) performed at Invitae indicates that this missense variant is expected to disrupt CTC1 protein function. In summary, the available evidence is currently insufficient to determine the role of this variant in disease. Therefore, it has been classified as a Variant of Uncertain Significance.